The following is an entry in ClinVar:

ClinVar aggregate classification (germline): Benign/Likely benign. Review status: criteria provided, multiple submitters, no conflicts (2 of 4 stars). 4 submissions from 4 submitters: Benign (2); Likely benign (2). Last evaluated 2026-01-27.

Conditions:
RINT1-related disorder. Also called: RINT1-related condition.

Allele frequency attached by ClinVar (database versions not stated): gnomAD exomes 0.00032; ExAC 0.00039; 1000 Genomes Project 0.00100; 1000 Genomes Project 30x 0.00109; ESP Exome Variant Server 0.00138; gnomAD 0.00138 and 0.00147; TOPMed 0.00168.
gnomAD v4.1: 435 of 1,614,166 alleles (0.027%); highest among the groups gnomAD compares: African/African-American, 0.47%; no homozygotes.

Submissions (4):

Labcorp Genetics (formerly Invitae), Labcorp
Classification: Benign. Last evaluated: 2026-01-27. Review status: criteria provided, single submitter. Criteria: Invitae Variant Classification Sherloc (09022015). Collection method: clinical testing. Allele origin: germline.

PreventionGenetics, part of Exact Sciences
Classification: Likely benign for RINT1-related condition. Last evaluated: 2026-01-07. Review status: criteria provided, single submitter. Criteria: ACMG Guidelines, 2015. Collection method: clinical testing. Allele origin: germline.
Comment: This variant is classified as likely benign based on ACMG/AMP sequence variant interpretation guidelines (Richards et al. 2015 PMID: 25741868, with internal and published modifications).

CeGaT Center for Human Genetics Tuebingen
Classification: Likely benign. Last evaluated: 2025-07-01. Review status: criteria provided, single submitter. Criteria: CeGaT Center For Human Genetics Tuebingen Variant Classification Criteria Version 2. Collection method: clinical testing. Allele origin: germline. Affected: yes. Observed: 2 variant alleles.
Comment: RINT1: BP4, BP7

Ambry Genetics
Classification: Benign. Last evaluated: 2020-09-03. Review status: criteria provided, single submitter. Criteria: Ambry Variant Classification Scheme 2023. Collection method: clinical testing. Allele origin: germline.

Literature cited by the submitters: PubMed 26787654 (cited by Ambry Genetics).

NM_021930.6(RINT1):c.1962G>A (p.Thr654=)

Genes: EFCAB10 (EF-hand calcium binding domain 10; minus strand), RINT1 (RAD50 interactor 1; plus strand). Cytogenetic location: 7q22.3.
Variant type: single nucleotide variant.
Coding change: c.1962G>A on transcript NM_021930.6 (MANE Select); coding-DNA position 1962, G replaced by A.
Protein change: p.Thr654=; no amino-acid change (threonine 654 retained).
Molecular consequence: synonymous variant. On other transcripts: 3 prime UTR variant (3), non-coding transcript variant (1).
Genome position (GRCh38, 1-based): chr7:105,565,352, G>A. VCF-style: chr7-105565352-G-A. GRCh37 (hg19) VCF-style: chr7-105205799-G-A.
Other names: c.*95C>T (NM_001355526.2); c.*197C>T (NM_001355530.2); c.*50C>T (NM_001355531.2); c.1728G>A, p.Thr576= (NM_001346599.2); c.939G>A, p.Thr313= (NM_001346600.2, NM_001346603.2); c.1038G>A, p.Thr346= (NM_001346601.2); c.1962G>A (NM_021930.5).
Identifiers: ClinVar variation 416399 (VCV000416399.38), dbSNP rs139532717, ClinGen allele CA4426823.